The following is an entry in ClinVar:

ClinVar aggregate classification (germline): Uncertain significance (1 of 4 stars; one submission).

Submission:

Labcorp Genetics (formerly Invitae), Labcorp
Classification: Uncertain significance. Last evaluated: 2023-11-09. Review status: criteria provided, single submitter. Criteria: Invitae Variant Classification Sherloc (09022015). Collection method: clinical testing. Allele origin: germline.
Comment: This sequence change replaces glycine, which is neutral and non-polar, with alanine, which is neutral and non-polar, at codon 595 of the MYLK3 protein (p.Gly595Ala). This variant is not present in population databases (gnomAD no frequency). This variant has not been reported in the literature in individuals affected with MYLK3-related conditions. ClinVar contains an entry for this variant (Variation ID: 1475780). An algorithm developed to predict the effect of missense changes on protein structure and function (PolyPhen-2) suggests that this variant is likely to be disruptive. In summary, the available evidence is currently insufficient to determine the role of this variant in disease. Therefore, it has been classified as a Variant of Uncertain Significance.

NM_182493.3(MYLK3):c.1784G>C (p.Gly595Ala)

Gene: MYLK3 (myosin light chain kinase 3; minus strand). Cytogenetic location: 16q11.2.
Variant type: single nucleotide variant.
Coding change: c.1784G>C on transcript NM_182493.3 (MANE Select); coding-DNA position 1784, G replaced by C.
Protein change: p.Gly595Ala; replaces glycine 595 with alanine.
Molecular consequence: missense variant.
Genome position (GRCh38, 1-based): chr16:46,727,366, C>G on the plus strand (G>C on the coding strand, the complement: MYLK3 is on the minus strand). VCF-style: chr16-46727366-C-G. GRCh37 (hg19) VCF-style: chr16-46761278-C-G.
Other names: c.761G>C, p.Gly254Ala (NM_001308301.1); short protein forms G254A, G595A.
Identifiers: ClinVar variation 1475780 (VCV001475780.6), dbSNP rs1009906918, ClinGen allele CA395790006.